The following is an entry in ClinVar:

NM_002769.5(PRSS1):c.88T>A (p.Cys30Ser)

Genes: PRSS1 (serine protease 1; plus strand), TRB (T cell receptor beta locus; plus strand). Cytogenetic location: 7q34.
Variant type: single nucleotide variant.
Coding change: c.88T>A on transcript NM_002769.5 (MANE Select); coding-DNA position 88, T replaced by A.
Protein change: p.Cys30Ser; replaces cysteine 30 with serine.
Molecular consequence: missense variant. On other transcripts: non-coding transcript variant (2).
Genome position (GRCh38, 1-based): chr7:142,750,602, T>A. VCF-style: chr7-142750602-T-A. GRCh37 (hg19) VCF-style: chr7-142458453-T-A.
Other names: short protein forms C30S.
Identifiers: ClinVar variation 1765055 (VCV001765055.11), dbSNP rs1432168030, ClinGen allele CA369607161.
Genomic context (GRCh38, chr7:142,750,602, plus strand): 5'-ATCTCCACTCCAGTTGCTGCCCCCTTTGATGATGATGACAAGATCGTTGGGGGCTACAAC[T>A]GTGAGGAGAATTCTGTCCCCTACCAGGTGTCCCTGAATTCTGGCTACCACTTCTGTGGTG-3'
Protein context (NP_002760.1, residues 20-40): DDDKIVGGYN[Cys30Ser]EENSVPYQVS

ClinVar aggregate classification (germline): Uncertain significance. Review status: criteria provided, multiple submitters, no conflicts (2 of 4 stars). 3 submissions from 3 submitters: Uncertain significance (3). Last evaluated 2025-10-07.

Conditions:
Hereditary pancreatitis (PCTT). Also called: PRSS1-Related Hereditary Pancreatitis; Hereditary chronic pancreatitis. Identifiers: Orphanet 676, MedGen C0238339, MONDO:0008185, OMIM 167800.

Allele frequency attached by ClinVar (database versions not stated): gnomAD exomes below 0.00001.
gnomAD v4.1: 4 of 1,614,054 alleles (0.00025%); highest among the groups gnomAD compares: Middle Eastern, 0.017%; no homozygotes.

Submissions (3):

Ambry Genetics
Classification: Uncertain significance for Hereditary pancreatitis. Last evaluated: 2025-10-07. Review status: criteria provided, single submitter. Criteria: Ambry Variant Classification Scheme 2023. Collection method: clinical testing. Allele origin: germline.

Women's Health and Genetics/Laboratory Corporation of America, LabCorp
Classification: Uncertain significance. Last evaluated: 2024-02-14. Review status: criteria provided, single submitter. Criteria: LabCorp Variant Classification Summary - May 2015. Collection method: clinical testing. Allele origin: germline.

Labcorp Genetics (formerly Invitae), Labcorp
Classification: Uncertain significance for Hereditary pancreatitis. Last evaluated: 2023-01-03. Review status: criteria provided, single submitter. Criteria: Invitae Variant Classification Sherloc (09022015). Collection method: clinical testing. Allele origin: germline.
Comment: In summary, the available evidence is currently insufficient to determine the role of this variant in disease. Therefore, it has been classified as a Variant of Uncertain Significance. Advanced modeling of protein sequence and biophysical properties (such as structural, functional, and spatial information, amino acid conservation, physicochemical variation, residue mobility, and thermodynamic stability) performed at Invitae indicates that this missense variant is not expected to disrupt PRSS1 protein function. ClinVar contains an entry for this variant (Variation ID: 1765055). This variant has not been reported in the literature in individuals affected with PRSS1-related conditions. The frequency data for this variant in the population databases is considered unreliable, as metrics indicate poor data quality at this position in the gnomAD database. This sequence change replaces cysteine, which is neutral and slightly polar, with serine, which is neutral and polar, at codon 30 of the PRSS1 protein (p.Cys30Ser).